The following is an entry in ClinVar:

NM_000455.5(STK11):c.237C>A (p.Ile79=)

Gene: STK11 (serine/threonine kinase 11; plus strand). Cytogenetic location: 19p13.3.
Variant type: single nucleotide variant.
Coding change: c.237C>A on transcript NM_000455.5 (MANE Select); coding-DNA position 237, C replaced by A.
Protein change: p.Ile79=; no amino-acid change (isoleucine 79 retained).
Molecular consequence: synonymous variant.
Genome position (GRCh38, 1-based): chr19:1,207,150, C>A. VCF-style: chr19-1207150-C-A. GRCh37 (hg19) VCF-style: chr19-1207149-C-A.
Identifiers: ClinVar variation 1139426 (VCV001139426.10), dbSNP rs751859508, ClinGen allele CA504706318.
Genomic context (GRCh38, chr19:1,207,150, plus strand): 5'-TTACGGCAAGGTGAAGGAGGTGCTGGACTCGGAGACGCTGTGCAGGAGGGCCGTCAAGAT[C>A]CTCAAGAAGAAGAAGTTGCGAAGGATCCCCAACGGGGAGGCCAACGTGAAGAAGTAAGTA-3'
Protein context (NP_000446.1, residues 69-89): SETLCRRAVK[Ile79=]LKKKKLRRIP

ClinVar aggregate classification (germline): Benign/Likely benign. Review status: criteria provided, multiple submitters, no conflicts (2 of 4 stars). 2 submissions from 2 submitters: Benign (1); Likely benign (1). Last evaluated 2025-03-25.

Conditions:
Peutz-Jeghers syndrome (PJS). Also called: POLYPOSIS, HAMARTOMATOUS INTESTINAL; POLYPS-AND-SPOTS SYNDROME; Peutz-Jeghers polyposis; Periorificial lentiginosis syndrome. Identifiers: Orphanet 2869, MedGen C0031269, MeSH D010580, MONDO:0008280, OMIM 175200.

gnomAD v4.1: 3 of 1,612,748 alleles (0.00019%); highest among the groups gnomAD compares: African/African-American, 0.0027%; no homozygotes.

Submissions (2):

Myriad Genetics, Inc.
Classification: Benign for Peutz-Jeghers syndrome. Last evaluated: 2025-03-25. Review status: criteria provided, single submitter. Criteria: Myriad Autosomal Dominant, Autosomal Recessive and X-Linked Classification Criteria (2023). Collection method: clinical testing. Allele origin: unknown.
Comment: This variant is considered benign. This variant is a silent/synonymous amino acid change and it is not expected to impact splicing.

Labcorp Genetics (formerly Invitae), Labcorp
Classification: Likely benign for Peutz-Jeghers syndrome. Last evaluated: 2024-02-27. Review status: criteria provided, single submitter. Criteria: Invitae Variant Classification Sherloc (09022015). Collection method: clinical testing. Allele origin: germline.